The following is an entry in ClinVar:

NM_006949.4(STXBP2):c.1637A>G (p.Glu546Gly)

Gene: STXBP2 (syntaxin binding protein 2; plus strand). Cytogenetic location: 19p13.2.
Variant type: single nucleotide variant.
Coding change: c.1637A>G on transcript NM_006949.4 (MANE Select); coding-DNA position 1637, A replaced by G.
Protein change: p.Glu546Gly; replaces glutamic acid 546 with glycine.
Molecular consequence: missense variant. On other transcripts: non-coding transcript variant (1).
Genome position (GRCh38, 1-based): chr19:7,647,452, A>G. VCF-style: chr19-7647452-A-G. GRCh37 (hg19) VCF-style: chr19-7712338-A-G.
Other names: c.1628A>G, p.Glu543Gly (NM_001127396.3); c.1670A>G, p.Glu557Gly (NM_001272034.2); c.1541A>G, p.Glu514Gly (NM_001414484.1); short protein forms E557G, E514G, E543G, E546G.
Identifiers: ClinVar variation 2002844 (VCV002002844.4), dbSNP rs2512715174, ClinGen allele CA403162117.

ClinVar aggregate classification (germline): Uncertain significance (1 of 4 stars; one submission).

Conditions:
Familial hemophagocytic lymphohistiocytosis 5. Also called: STXBP2-Related Familial Hemophagocytic Lymphohistiocytosis (STXBP2-fHLH). Identifiers: Orphanet 540, MedGen C2751293, MONDO:0013135, OMIM 613101.

Submission:

Labcorp Genetics (formerly Invitae), Labcorp
Classification: Uncertain significance for Familial hemophagocytic lymphohistiocytosis 5. Last evaluated: 2022-11-08. Review status: criteria provided, single submitter. Criteria: Invitae Variant Classification Sherloc (09022015). Collection method: clinical testing. Allele origin: germline.
Comment: In summary, the available evidence is currently insufficient to determine the role of this variant in disease. Therefore, it has been classified as a Variant of Uncertain Significance. Advanced modeling of protein sequence and biophysical properties (such as structural, functional, and spatial information, amino acid conservation, physicochemical variation, residue mobility, and thermodynamic stability) performed at Invitae indicates that this missense variant is expected to disrupt STXBP2 protein function. This variant has not been reported in the literature in individuals affected with STXBP2-related conditions. This variant is not present in population databases (gnomAD no frequency). This sequence change replaces glutamic acid, which is acidic and polar, with glycine, which is neutral and non-polar, at codon 546 of the STXBP2 protein (p.Glu546Gly).